The following is an entry in ClinVar:

ClinVar aggregate classification (germline): Uncertain significance. Review status: criteria provided, multiple submitters, no conflicts (2 of 4 stars). 4 submissions from 4 submitters: Uncertain significance (4). Last evaluated 2025-09-17.

Conditions:
Arrhythmogenic right ventricular cardiomyopathy (ARVD). Also called: Arrhythmogenic cardiomyopathy; Cardiomyopathy, ARVC; Arrhythmogenic right ventricular dysplasia; Arrhythmogenic Right Ventricular Cardiomyopathy (ARVC). Identifiers: Orphanet 247, MedGen C0349788, MeSH D019571, MONDO:0016587. Disease mechanism: loss of function. Inheritance: Various modes of inheritance.
Cardiomyopathy (CMYO). Also called: Cardiomyopathies. Identifiers: Orphanet 167848, MedGen C0878544, MONDO:0004994, HP:0001638. Inheritance: Various modes of inheritance.
Cardiovascular phenotype. Identifiers: MedGen CN230736.
Arrhythmogenic right ventricular dysplasia 10. Also called: Arrhythmogenic Right Ventricular Dysplasia/Cardiomyopathy10; ARRHYTHMOGENIC RIGHT VENTRICULAR DYSPLASIA, FAMILIAL, 10; Arrhythmogenic right ventricular dysplasia/cardiomyopathy, type 10. Identifiers: MedGen C1857777, MONDO:0012434, OMIM 610193.

Allele frequency attached by ClinVar (database versions not stated): gnomAD exomes 0.00001 and 0.00002; TOPMed 0.00001; ExAC 0.00003.
gnomAD v4.1: 12 of 1,614,114 alleles (0.00074%); highest among the groups gnomAD compares: East Asian, 0.0022%; no homozygotes.

Submissions (4):

Ambry Genetics
Classification: Uncertain significance for Cardiovascular phenotype. Last evaluated: 2025-09-17. Review status: criteria provided, single submitter. Criteria: Ambry Variant Classification Scheme 2023. Collection method: clinical testing. Allele origin: germline.
Comment: The p.D494N variant (also known as c.1480G>A), located in coding exon 11 of the DSG2 gene, results from a G to A substitution at nucleotide position 1480. The aspartic acid at codon 494 is replaced by asparagine, an amino acid with highly similar properties. This variant has been detected in arrhythmogenic right ventricular cardiomyopathy (ARVC) cohorts in individuals who also had additional variants in ARVC-related genes (Klauke B et al. Hum Mol Genet, 2010 Dec;19:4595-607; Kapplinger JD et al. J Am Coll Cardiol, 2011 Jun;57:2317-27). In an in vitro study, this variant was indicated to not adversely impact protein localization or cardiomyocyte cohesion (Schlipp A et al. Cardiovasc Res, 2014 Nov;104:245-57). This amino acid position is highly conserved in available vertebrate species. In addition, the in silico prediction for this alteration is inconclusive. Since supporting evidence is limited at this time, the clinical significance of this alteration remains unclear.

Labcorp Genetics (formerly Invitae), Labcorp
Classification: Uncertain significance for Arrhythmogenic right ventricular dysplasia 10. Last evaluated: 2025-06-18. Review status: criteria provided, single submitter. Criteria: Invitae Variant Classification Sherloc (09022015). Collection method: clinical testing. Allele origin: germline.
Comment: This sequence change replaces aspartic acid, which is acidic and polar, with asparagine, which is neutral and polar, at codon 494 of the DSG2 protein (p.Asp494Asn). This variant is present in population databases (rs747248279, gnomAD 0.006%). This missense change has been observed in individual(s) with arrhythmogenic right ventricular cardiomyopathy (ARVC) (PMID: 20829228, 21606396, 21636032). ClinVar contains an entry for this variant (Variation ID: 923081). Invitae Evidence Modeling of protein sequence and biophysical properties (such as structural, functional, and spatial information, amino acid conservation, physicochemical variation, residue mobility, and thermodynamic stability) has been performed for this missense variant. However, the output from this modeling did not meet the statistical confidence thresholds required to predict the impact of this variant on DSG2 protein function. Experimental studies have shown that this missense change does not substantially affect DSG2 function (PMID: 25213555). This variant disrupts the p.Asp494 amino acid residue in DSG2. Other variant(s) that disrupt this residue have been determined to be pathogenic (PMID: 23514727, 29178656). This suggests that this residue is clinically significant, and that variants that disrupt this residue are likely to be disease-causing. In summary, the available evidence is currently insufficient to determine the role of this variant in disease. Therefore, it has been classified as a Variant of Uncertain Significance.

All of Us Research Program, National Institutes of Health
Classification: Uncertain significance for Arrhythmogenic right ventricular cardiomyopathy. Last evaluated: 2023-11-30. Review status: criteria provided, single submitter. Criteria: ACMG Guidelines, 2015. Collection method: clinical testing. Allele origin: germline. Inheritance: Autosomal dominant inheritance. Observed: 4 variant alleles, 4 heterozygotes.
Comment: This missense variant replaces aspartic acid with asparagine at codon 494 of the DSG2 protein. Computational prediction is inconclusive regarding the impact of this variant on protein structure and function (internally defined REVEL score threshold 0.5 < inconclusive < 0.7, PMID: 27666373). Splice site prediction tools suggest that this variant may not impact RNA splicing. A functional study has shown that this variant does not affect subcellular protein localization or cardiomyocyte cohesion (PMID: 25213555). This variant has been reported in three individuals affected with arrhythmogenic right ventricular cardiomyopathy (PMID: 20829228, 21606396, 25820315). One of these individuals also carried a pathogenic truncation variation in the PKP2 gene that could explain the observed phenotype (PMID: 25820315). The other two individuals were from the same family and both of them also carried a start loss variant in the DSG2 gene (PMID: 20829228). This variant has been identified in 6/249386 chromosomes in the general population by the Genome Aggregation Database (gnomAD). The available evidence is insufficient to determine the role of this variant in disease conclusively. Therefore, this variant is classified as a Variant of Uncertain Significance.

This study involves interpretation of variants in research participants for the purpose of population health screening. Participant phenotype was not available at the time of variant classification. Additional details can be found in publication PMID: 35346344, PMCID: PMC8962531

Color Diagnostics, LLC DBA Color Health
Classification: Uncertain significance for Cardiomyopathy. Last evaluated: 2023-01-27. Review status: criteria provided, single submitter. Criteria: ACMG Guidelines, 2015. Collection method: clinical testing. Allele origin: germline.
Comment: This missense variant replaces aspartic acid with asparagine at codon 494 of the DSG2 protein. Computational prediction is inconclusive regarding the impact of this variant on protein structure and function (internally defined REVEL score threshold 0.5 < inconclusive < 0.7, PMID: 27666373). Splice site prediction tools suggest that this variant may not impact RNA splicing. A functional study has shown that this variant does not affect subcellular protein localization or cardiomyocyte cohesion (PMID: 25213555). This variant has been reported in three individuals affected with arrhythmogenic right ventricular cardiomyopathy (PMID: 20829228, 21606396, 25820315). One of these individuals also carried a pathogenic truncation variation in the PKP2 gene that could explain the observed phenotype (PMID: 25820315). The other two individuals were from the same family and both of them also carried a start loss variant in the DSG2 gene (PMID: 20829228). This variant has been identified in 6/249386 chromosomes in the general population by the Genome Aggregation Database (gnomAD). The available evidence is insufficient to determine the role of this variant in disease conclusively. Therefore, this variant is classified as a Variant of Uncertain Significance.

Literature cited by the submitters: PubMed 20829228 (cited by 4 submitters); PubMed 21606396 (cited by 4 submitters); PubMed 21636032 (cited by Ambry Genetics and Labcorp Genetics (formerly Invitae), Labcorp); PubMed 25213555 (cited by 4 submitters); PubMed 25820315 (cited by 3 submitters); PubMed 23514727 (cited by Labcorp Genetics (formerly Invitae), Labcorp); PubMed 29178656 (cited by Labcorp Genetics (formerly Invitae), Labcorp).

NM_001943.5(DSG2):c.1480G>A (p.Asp494Asn)

Gene: DSG2 (desmoglein 2; plus strand). Cytogenetic location: 18q12.1.
Variant type: single nucleotide variant.
Coding change: c.1480G>A on transcript NM_001943.5 (MANE Select); coding-DNA position 1480, G replaced by A.
Protein change: p.Asp494Asn; replaces aspartic acid 494 with asparagine.
Molecular consequence: missense variant.
Genome position (GRCh38, 1-based): chr18:31,536,258, G>A. VCF-style: chr18-31536258-G-A. GRCh37 (hg19) VCF-style: chr18-29116221-G-A.
Other names: short protein forms D494N.
Identifiers: ClinVar variation 923081 (VCV000923081.16), dbSNP rs747248279, ClinGen allele CA042615.
Genomic context (GRCh38, chr18:31,536,258, plus strand): 5'-TAAGATTATCCTAGAAAAACCATCACTGGCACAGTCCTTATCAATGTTGAAGACATCAAC[G>A]ACAACTGTCCCACACTGATAGAGCCTGTGCAGACAATCTGTCACGATGCAGAGTATGTGA-3'
Protein context (NP_001934.2, residues 484-504): TVLINVEDIN[Asp494Asn]NCPTLIEPVQ